The following is an entry in ClinVar:

NM_001267550.2(TTN):c.39463+11C>T

Gene: TTN (titin; minus strand). Cytogenetic location: 2q31.2.
Variant type: single nucleotide variant.
Coding change: c.39463+11C>T on transcript NM_001267550.2 (MANE Select); 11 bases into the intron after coding-DNA position 39463, C replaced by T.
Molecular consequence: intron variant.
Genome position (GRCh38, 1-based): chr2:178,651,655, G>A on the plus strand (C>T on the coding strand, the complement: TTN is on the minus strand). VCF-style: chr2-178651655-G-A. GRCh37 (hg19) VCF-style: chr2-179516382-G-A.
Other names: c.13283-9338C>T (NM_003319.4); c.13859-9338C>T (NM_133437.4); c.13658-9338C>T (NM_133432.3); c.32161+11C>T (NM_133378.4); c.34942+11C>T (NM_001256850.1).
Identifiers: ClinVar variation 680893 (VCV000680893.10), dbSNP rs767146567, ClinGen allele CA1996718.
Genomic context (GRCh38, chr2:178,651,655, plus strand): 5'-GAAGCAGAACAGTAGAATATGACACTTCAAAGAAAGTTTTTTGTTAGGGAGTTAGTGGCA[G>A]TGAGGAATACCTTTCACTGGTGGTAGTTCAGGTTTTTTGGCAACGACAGCAGGTGCTTTC-3'

ClinVar aggregate classification (germline): Likely benign. Review status: criteria provided, multiple submitters, no conflicts (2 of 4 stars). 3 submissions from 3 submitters: Likely benign (3). Last evaluated 2025-09-24.

Conditions:
Dilated cardiomyopathy 1G (CMD1G). Identifiers: Orphanet 154, MedGen C1858763, MONDO:0011400, OMIM 604145.
Autosomal recessive limb-girdle muscular dystrophy type 2J (LGMDR10). Also called: Limb-girdle muscular dystrophy, type 2J; MUSCULAR DYSTROPHY, LIMB-GIRDLE, AUTOSOMAL RECESSIVE 10. Identifiers: Orphanet 140922, MedGen C1837342, MONDO:0012127, OMIM 608807.

Allele frequency attached by ClinVar (database versions not stated): gnomAD exomes below 0.00001 and 0.00001; ExAC 0.00001.
gnomAD v4.1: 14 of 1,613,156 alleles (0.00087%); highest among the groups gnomAD compares: Non-Finnish European, 0.0012%; no homozygotes.

Submissions (3):

Labcorp Genetics (formerly Invitae), Labcorp
Classification: Likely benign for Dilated cardiomyopathy 1G; Autosomal recessive limb-girdle muscular dystrophy type 2J. Last evaluated: 2025-09-24. Review status: criteria provided, single submitter. Criteria: Invitae Variant Classification Sherloc (09022015). Collection method: clinical testing. Allele origin: germline.

Blueprint Genetics
Classification: Likely benign. Last evaluated: 2023-12-01. Review status: criteria provided, single submitter. Criteria: ACMG Guidelines, 2015. Collection method: clinical testing. Allele origin: germline.

GeneDx
Classification: Likely benign. Last evaluated: 2018-03-14. Review status: criteria provided, single submitter. Criteria: GeneDx Variant Classification (06012015). Collection method: clinical testing. Allele origin: germline. Affected: yes.
Comment: This variant is considered likely benign or benign based on one or more of the following criteria: it is a conservative change, it occurs at a poorly conserved position in the protein, it is predicted to be benign by multiple in silico algorithms, and/or has population frequency not consistent with disease.